The following is an entry in ClinVar:

ClinVar aggregate classification (germline): Uncertain significance. Review status: criteria provided, multiple submitters, no conflicts (2 of 4 stars). 2 submissions from 2 submitters: Uncertain significance (2). Last evaluated 2026-03-24.

Conditions:
RP1L1-related disorder. Also called: RP1L1-related condition.

gnomAD v4.1: 55 of 1,612,746 alleles (0.0034%); highest among the groups gnomAD compares: Middle Eastern, 0.082%; no homozygotes.

Submissions (2):

PreventionGenetics, part of Exact Sciences
Classification: Uncertain significance for RP1L1-related condition. Last evaluated: 2026-03-24. Review status: criteria provided, single submitter. Criteria: ACMG Guidelines, 2015. Collection method: clinical testing. Allele origin: germline.
Comment: The RP1L1 c.1637G>C variant is predicted to result in the amino acid substitution p.Ser546Thr. This variant has been reported in the homozygous state in an individual with retinitis pigmentosa (Davidson et al. 2013. PubMed ID: 23281133). This variant is present in 0.047% of alleles in individuals of African descent in gnomAD. At this time, the clinical significance of this variant is uncertain due to the absence of conclusive functional and genetic evidence.

Blueprint Genetics
Classification: Uncertain significance. Last evaluated: 2024-11-01. Review status: criteria provided, single submitter. Criteria: ACMG Guidelines, 2015. Collection method: clinical testing. Allele origin: germline.

NM_178857.6(RP1L1):c.1637G>C (p.Ser546Thr)

Gene: RP1L1 (RP1 like 1). Cytogenetic location: 8p23.1.
Variant type: single nucleotide variant.
Coding change: c.1637G>C on transcript NM_178857.6 (MANE Select); coding-DNA position 1637, G replaced by C.
Protein change: p.Ser546Thr; replaces serine 546 with threonine.
Molecular consequence: missense variant.
Genome position (GRCh38, 1-based): chr8:10,612,461, C>G on the plus strand (G>C on the coding strand, the complement: RP1L1 is on the minus strand). VCF-style: chr8-10612461-C-G. GRCh37 (hg19) VCF-style: chr8-10469971-C-G.
Other names: c.1637G>C (NM_178857.5); short protein forms S546T.
Identifiers: ClinVar variation 4899355 (VCV004899355.2).